The following is an entry in ClinVar:

NM_000092.5(COL4A4):c.230G>C (p.Gly77Ala)

Gene: COL4A4 (collagen type IV alpha 4 chain; minus strand). Cytogenetic location: 2q36.3.
Variant type: single nucleotide variant.
Coding change: c.230G>C on transcript NM_000092.5 (MANE Select); coding-DNA position 230, G replaced by C.
Protein change: p.Gly77Ala; replaces glycine 77 with alanine.
Molecular consequence: missense variant.
Genome position (GRCh38, 1-based): chr2:227,121,111, C>G on the plus strand (G>C on the coding strand, the complement: COL4A4 is on the minus strand). VCF-style: chr2-227121111-C-G. GRCh37 (hg19) VCF-style: chr2-227985827-C-G.
Other names: short protein forms G77A.
Identifiers: ClinVar variation 975101 (VCV000975101.3), dbSNP rs112204566, ClinGen allele CA350863420.

ClinVar aggregate classification (germline): Pathogenic (1 of 4 stars; one submission).

Conditions:
Benign familial hematuria. Also called: thin basement membrane disease. Identifiers: MedGen C0241908, MONDO:0957317.

gnomAD v4.1: 1 of 1,614,082 alleles (0.000062%); no homozygotes.

Submission:

Victorian Clinical Genetics Services, Murdoch Childrens Research Institute
Classification: Pathogenic for Hematuria, benign familial, 1. Last evaluated: 2018-10-02. Review status: criteria provided, single submitter. Criteria: ACMG Guidelines, 2015. Collection method: clinical testing. Allele origin: unknown. Affected: yes.
Comment: A heterozygous missense variant, NM_000092.4(COL4A4):c.230G>C, has been identified in exon 5 of 48 of the COL4A4 gene. The variant is predicted to result in a minor amino acid change from glycine to alanine at position 77 of the protein (NP_000083.3(COL4A4):p.(Gly77Ala)). The glycine residue at this position has very high conservation (100 vertebrates, UCSC), and affects a glycine residue of the triple helical region containing GLY-X-Y repeats. In silico predictions for this variant are consistently pathogenic (Polyphen, SIFT, CADD, Mutation Taster). The variant is absent in population databases (gnomAD, dbSNP, 1000G), and has not been previously reported in clinical cases. Based on the information available at the time of curation, this variant has been classified as LIKELY PATHOGENIC.